The following is an entry in ClinVar:

NM_000548.5(TSC2):c.1949A>C (p.Glu650Ala)

Gene: TSC2 (TSC complex subunit 2; plus strand). Cytogenetic location: 16p13.3.
Variant type: single nucleotide variant.
Coding change: c.1949A>C on transcript NM_000548.5 (MANE Select); coding-DNA position 1949, A replaced by C.
Protein change: p.Glu650Ala; replaces glutamic acid 650 with alanine.
Molecular consequence: missense variant.
Genome position (GRCh38, 1-based): chr16:2,071,786, A>C. VCF-style: chr16-2071786-A-C. GRCh37 (hg19) VCF-style: chr16-2121787-A-C.
Other names: c.605A>C, p.Glu202Ala (NM_001406691.1, NM_001406692.1, NM_001406693.1 and 6 more transcripts); c.347A>C, p.Glu116Ala (NM_001406698.1); c.1949A>C, p.Glu650Ala (NM_021055.3, NM_001077183.3, NM_001114382.3 and 6 more transcripts); c.1838A>C, p.Glu613Ala (NM_001318827.2, NM_001406670.1, NM_001406678.1); c.1802A>C, p.Glu601Ala (NM_001318829.2, NM_001406675.1, NM_001406676.1 and 1 more transcripts); c.1349A>C, p.Glu450Ala (NM_001318831.2, NM_001406682.1, NM_001406683.1 and 6 more transcripts); c.1982A>C, p.Glu661Ala (NM_001318832.2); c.2039A>C, p.Glu680Ala (NM_001406667.1, NM_001406668.1); and 3 more; short protein forms E116A, E202A, E450A, E496A, E601A, E613A, E631A, E646A.
Identifiers: ClinVar variation 1715424 (VCV001715424.5), dbSNP rs2151303649, ClinGen allele CA394273557.
Genomic context (GRCh38, chr16:2,071,786, plus strand): 5'-AGTCTGTTCCGTTCCTGCTGCGGGGACTTGGCCTCAGCTGCTTCTCTTGCTTCTGCAGGG[A>C]GCCAGAGAGAGGCTCTGAGAAGAAGACCAGCGGCCCCCTTTCTCCTCCCACAGGGCCTCC-3'
Protein context (NP_000539.2, residues 640-660): FSPYCVCDYM[Glu650Ala]PERGSEKKTS

ClinVar aggregate classification (germline): Uncertain significance (1 of 4 stars; one submission).

Conditions:
Tuberous sclerosis 2 (TSC2). Identifiers: Orphanet 805, MedGen C1860707, MONDO:0013199, OMIM 613254.

Submission:

Labcorp Genetics (formerly Invitae), Labcorp
Classification: Uncertain significance for Tuberous sclerosis 2. Last evaluated: 2022-08-08. Review status: criteria provided, single submitter. Criteria: Invitae Variant Classification Sherloc (09022015). Collection method: clinical testing. Allele origin: germline.
Comment: This sequence change replaces glutamic acid, which is acidic and polar, with alanine, which is neutral and non-polar, at codon 650 of the TSC2 protein (p.Glu650Ala). This variant is not present in population databases (gnomAD no frequency). This variant has not been reported in the literature in individuals affected with TSC2-related conditions. Algorithms developed to predict the effect of missense changes on protein structure and function are either unavailable or do not agree on the potential impact of this missense change (SIFT: "Deleterious"; PolyPhen-2: "Benign"; Align-GVGD: "Class C0"). In summary, the available evidence is currently insufficient to determine the role of this variant in disease. Therefore, it has been classified as a Variant of Uncertain Significance.